The following is an entry in ClinVar:

NM_144599.5(NIPA1):c.537C>T (p.Ile179=)

Gene: NIPA1 (NIPA magnesium transporter 1; plus strand). Cytogenetic location: 15q11.2.
Variant type: single nucleotide variant.
Coding change: c.537C>T on transcript NM_144599.5 (MANE Select); coding-DNA position 537, C replaced by T.
Protein change: p.Ile179=; no amino-acid change (isoleucine 179 retained).
Molecular consequence: synonymous variant.
Genome position (GRCh38, 1-based): chr15:22,823,786, C>T. VCF-style: chr15-22823786-C-T. GRCh37 (hg19) VCF-style: chr15-23049282-G-A.
Other names: c.312C>T, p.Ile104= (NM_001142275.1).
Identifiers: ClinVar variation 315424 (VCV000315424.39), dbSNP rs547634456, ClinGen allele CA7426050.

ClinVar aggregate classification (germline): Benign/Likely benign. Review status: criteria provided, multiple submitters, no conflicts (2 of 4 stars). 3 submissions from 3 submitters: Benign (2); Likely benign (1). Last evaluated 2026-03-01.

Conditions:
Hereditary spastic paraplegia 6 (SPG6). Also called: SPASTIC PARAPLEGIA 6, AUTOSOMAL DOMINANT. Identifiers: Orphanet 100988, MedGen C1838192, MONDO:0010878, OMIM 600363.

Allele frequency attached by ClinVar (database versions not stated): gnomAD 0.00006 and 0.00036; TOPMed 0.00010; gnomAD exomes 0.00126; ExAC 0.00146; 1000 Genomes Project 0.00220; 1000 Genomes Project 30x 0.00250.
gnomAD v4.1: 1,008 of 1,613,516 alleles (0.062%); highest among the groups gnomAD compares: South Asian, 0.9%; 24 homozygotes.

Submissions (3):

CeGaT Center for Human Genetics Tuebingen
Classification: Likely benign. Last evaluated: 2026-03-01. Review status: criteria provided, single submitter. Criteria: CeGaT Center For Human Genetics Tuebingen Variant Classification Criteria Version 2. Collection method: clinical testing. Allele origin: germline. Affected: yes. Observed: 5 variant alleles.
Comment: NIPA1: BP4, BP7, BS2

Labcorp Genetics (formerly Invitae), Labcorp
Classification: Benign for Hereditary spastic paraplegia 6. Last evaluated: 2025-08-15. Review status: criteria provided, single submitter. Criteria: Invitae Variant Classification Sherloc (09022015). Collection method: clinical testing. Allele origin: germline.

GeneDx
Classification: Benign. Last evaluated: 2020-09-15. Review status: criteria provided, single submitter. Criteria: GeneDx Variant Classification Process June 2021. Collection method: clinical testing. Allele origin: germline. Affected: yes.